The following is an entry in ClinVar:

NM_003482.4(KMT2D):c.1962C>T (p.Ser654=)

Gene: KMT2D (lysine methyltransferase 2D; minus strand). Cytogenetic location: 12q13.12.
Variant type: single nucleotide variant.
Coding change: c.1962C>T on transcript NM_003482.4 (MANE Select); coding-DNA position 1962, C replaced by T.
Protein change: p.Ser654=; no amino-acid change (serine 654 retained).
Molecular consequence: synonymous variant.
Genome position (GRCh38, 1-based): chr12:49,051,721, G>A on the plus strand (C>T on the coding strand, the complement: KMT2D is on the minus strand). VCF-style: chr12-49051721-G-A. GRCh37 (hg19) VCF-style: chr12-49445504-G-A.
Identifiers: ClinVar variation 5001333 (VCV005001333.1).

ClinVar aggregate classification (germline): Likely benign (1 of 4 stars; one submission).

Conditions:
KMT2D-related disorder. Also called: KMT2D-Related Disorders.

Submission:

PreventionGenetics, part of Exact Sciences
Classification: Likely benign for KMT2D-related condition. Last evaluated: 2024-11-03. Review status: criteria provided, single submitter. Criteria: ACMG Guidelines, 2015. Collection method: clinical testing. Allele origin: germline.
Comment: This variant is classified as likely benign based on ACMG/AMP sequence variant interpretation guidelines (Richards et al. 2015 PMID: 25741868, with internal and published modifications).